The following is an entry in ClinVar:

NM_004539.4(NARS1):c.722A>G (p.Asn241Ser)

Gene: NARS1 (asparaginyl-tRNA synthetase 1; minus strand). Cytogenetic location: 18q21.31.
Variant type: single nucleotide variant.
Coding change: c.722A>G on transcript NM_004539.4 (MANE Select); coding-DNA position 722, A replaced by G.
Protein change: p.Asn241Ser; replaces asparagine 241 with serine.
Molecular consequence: missense variant.
Genome position (GRCh38, 1-based): chr18:57,607,523, T>C on the plus strand (A>G on the coding strand, the complement: NARS1 is on the minus strand). VCF-style: chr18-57607523-T-C. GRCh37 (hg19) VCF-style: chr18-55274755-T-C.
Other names: short protein forms N241S.
Identifiers: ClinVar variation 1810518 (VCV001810518.1), dbSNP rs2511570952, ClinGen allele CA402548910.
Genomic context (GRCh38, chr18:57,607,523, plus strand): 5'-AAGAAGTGATCTCTAAAGCACCTGGTGACCATGGATCGTGCTTTTAGGATTTTGGACATG[T>C]TTTCTCCTCGGATCATCATGTGTCTGTTGTTGAGCTGGACATCAACGTCAGACTCCTCAT-3'
Protein context (NP_004530.1, residues 231-251): NNRHMMIRGE[Asn241Ser]MSKILKARSM

ClinVar aggregate classification (germline): Uncertain significance (1 of 4 stars; one submission).

Submission:

GeneDx
Classification: Uncertain significance. Last evaluated: 2022-07-05. Review status: criteria provided, single submitter. Criteria: GeneDx Variant Classification Process June 2021. Collection method: clinical testing. Allele origin: germline. Affected: yes.
Comment: Not observed at significant frequency in large population cohorts (gnomAD); In silico analysis supports that this missense variant does not alter protein structure/function; Has not been previously published as pathogenic or benign to our knowledge